The following is an entry in ClinVar:

ClinVar aggregate classification (germline): Pathogenic (1 of 4 stars; one submission).

Conditions:
Hereditary hemochromatosis (HFE). Identifiers: MedGen C0392514, MONDO:0006507. Disease mechanism: loss of function.

Submission:

Labcorp Genetics (formerly Invitae), Labcorp
Classification: Pathogenic for Hereditary hemochromatosis. Last evaluated: 2021-09-14. Review status: criteria provided, single submitter. Criteria: Invitae Variant Classification Sherloc (09022015). Collection method: clinical testing. Allele origin: germline.
Comment: This variant has not been reported in the literature in individuals affected with TFR2-related conditions. For these reasons, this variant has been classified as Pathogenic. This variant is not present in population databases (ExAC no frequency). This sequence change creates a premature translational stop signal (p.Leu162Phefs*14) in the TFR2 gene. It is expected to result in an absent or disrupted protein product. Loss-of-function variants in TFR2 are known to be pathogenic (PMID: 23600741, 26029709).

Literature cited by the submitters: PubMed 23600741; PubMed 26029709.

NM_003227.4(TFR2):c.484del (p.Leu162fs)

Gene: TFR2 (transferrin receptor 2; minus strand). Cytogenetic location: 7q22.1.
Variant type: Deletion.
Coding change: c.484del on transcript NM_003227.4 (MANE Select); coding-DNA position 484, one base deleted (C; older notation c.484delC).
Protein change: p.Leu162fs; shifts the reading frame from leucine 162.
Molecular consequence: frameshift variant. On other transcripts: 5 prime UTR variant (1).
Genome position (GRCh38, 1-based): chr7:100,633,546, G deleted on the plus strand (C on the coding strand, the reverse complement: TFR2 is on the minus strand); the first of 2 consecutive G bases (chr7:100,633,546-100,633,547); deleting either gives the same sequence. VCF-style (leftmost placement, unchanged base first): chr7-100633545-AG-A. GRCh37 (hg19) VCF-style: chr7-100231168-AG-A.
Other names: c.-30del (NM_001206855.3); short protein forms L162fs.
Identifiers: ClinVar variation 1425195 (VCV001425195.6), dbSNP rs2131320933, ClinGen allele CA2573141353.